The following is an entry in ClinVar:

NM_002294.3(LAMP2):c.198_207del (p.Ile66fs)

Gene: LAMP2 (lysosome associated membrane protein 2; minus strand). Cytogenetic location: Xq24.
Variant type: Deletion.
Coding change: c.198_207del on transcript NM_002294.3 (MANE Select); coding-DNA positions 198 to 207, 10 bases deleted (TTCAGACCAT; older notation c.198_207delTTCAGACCAT).
Protein change: p.Ile66fs; shifts the reading frame from isoleucine 66.
Molecular consequence: frameshift variant.
Genome position (GRCh38, 1-based): chrX:120,455,547-120,455,556, ATGGTCTGAA deleted on the plus strand (TTCAGACCAT on the coding strand, the reverse complement: LAMP2 is on the minus strand); deleting any 10 consecutive bases within chrX:120,455,547-120,455,561 gives the same sequence; the c. name uses the placement nearest the transcript's 3' end. VCF-style (leftmost placement, unchanged base first): chrX-120455546-CATGGTCTGAA-C. GRCh37 (hg19) VCF-style: chrX-119589401-CATGGTCTGAA-C.
Other names: c.198_207del, p.Ile66fs (NM_001122606.1, NM_013995.2); short protein forms I66fs.
Identifiers: ClinVar variation 2727067 (VCV002727067.3), dbSNP rs2520908416, ClinGen allele CA2697544737.

ClinVar aggregate classification (germline): Pathogenic (1 of 4 stars; one submission).

Conditions:
Danon disease. Also called: Glycogen Storage Disease Type IIb; ANTOPOL DISEASE; PSEUDOGLYCOGENOSIS II; GSD IIb; LYSOSOMAL GLYCOGEN STORAGE DISEASE WITHOUT ACID MALTASE DEFICIENCY. Identifiers: Orphanet 34587, MedGen C0878677, MONDO:0010281, OMIM 300257.

Submission:

Labcorp Genetics (formerly Invitae), Labcorp
Classification: Pathogenic for Danon disease. Last evaluated: 2023-05-26. Review status: criteria provided, single submitter. Criteria: Invitae Variant Classification Sherloc (09022015). Collection method: clinical testing. Allele origin: germline.
Comment: This variant has not been reported in the literature in individuals affected with LAMP2-related conditions. For these reasons, this variant has been classified as Pathogenic. This sequence change creates a premature translational stop signal (p.Ile66Metfs*4) in the LAMP2 gene. It is expected to result in an absent or disrupted protein product. Loss-of-function variants in LAMP2 are known to be pathogenic (PMID: 21415759). This variant is not present in population databases (gnomAD no frequency).

Literature cited by the submitters: PubMed 21415759.